The following is an entry in ClinVar:

NM_007294.4(BRCA1):c.5539T>G (p.Cys1847Gly)

Gene: BRCA1 (BRCA1 DNA repair associated; minus strand). Cytogenetic location: 17q21.31.
Variant type: single nucleotide variant.
Coding change: c.5539T>G on transcript NM_007294.4 (MANE Select); coding-DNA position 5539, T replaced by G.
Protein change: p.Cys1847Gly; replaces cysteine 1847 with glycine.
Molecular consequence: missense variant. On other transcripts: 3 prime UTR variant (1), non-coding transcript variant (1).
Genome position (GRCh38, 1-based): chr17:43,045,731, A>C on the plus strand (T>G on the coding strand, the complement: BRCA1 is on the minus strand). VCF-style: chr17-43045731-A-C. GRCh37 (hg19) VCF-style: chr17-41197748-A-C.
Other names: c.2014T>G, p.Cys672Gly (NM_001408492.1, NM_001408493.1); c.1990T>G, p.Cys664Gly (NM_001408494.1); c.1984T>G, p.Cys662Gly (NM_001408495.1); c.1966T>G, p.Cys656Gly (NM_001408496.1, NM_001408497.1, NM_001408498.1 and 3 more transcripts); c.5326T>G, p.Cys1776Gly (NM_001407571.1, NM_001407894.1, NM_001407895.1 and 12 more transcripts); c.5605T>G, p.Cys1869Gly (NM_001407581.1, NM_001407582.1); c.5602T>G, p.Cys1868Gly (NM_001407583.1, NM_001407585.1, NM_001407587.1 and 1 more transcripts); c.5599T>G, p.Cys1867Gly (NM_001407590.1, NM_001407591.1); and 74 more; short protein forms C1847G, C1868G, C743G, C1800G, C1693G, C1720G, C1757G, C1779G.
Identifiers: ClinVar variation 867637 (VCV000867637.3), dbSNP rs2050866725, ClinGen allele CA10590244.

Conditions:
Breast-ovarian cancer, familial, susceptibility to, 1 (BROVCA1). Also called: BRCA1 Hereditary Breast and Ovarian Cancer; OVARIAN CANCER, SUSCEPTIBILITY TO. Identifiers: Orphanet 145, MedGen C2676676, MONDO:0011450, OMIM 604370. Disease mechanism: loss of function.

Submission:

Brotman Baty Institute, University of Washington
No classification provided (evidence only). Condition: Breast-ovarian cancer, familial 1. Review status: no classification provided. Collection method: in vitro. Allele origin: not applicable. Functional consequence: functionally_normal.
ClinVar note: "not provided" was previously submitted as the classification for the variant. However, the classification appeared to be based only on an observation of functional data so it was converted to no classification on 2025-07-30.